The following is an entry in ClinVar:

ClinVar aggregate classification (germline): Benign. Review status: criteria provided, multiple submitters, no conflicts (2 of 4 stars). 8 submissions from 8 submitters: Benign (7). 1 of the submissions does not count toward it. Last evaluated 2026-02-03.

Conditions:
Fanconi anemia (FA). Also called: Fanconi's anemia. Identifiers: Orphanet 84, MedGen C0015625, MeSH D005199, MONDO:0019391.
Fanconi anemia complementation group P. Also called: SLX4-Related Fanconi Anemia. Identifiers: Orphanet 84, MedGen C3469542, MONDO:0013499, OMIM 613951.

Allele frequency attached by ClinVar (database versions not stated): gnomAD exomes 0.00371 and 0.00739; ExAC 0.00893; ESP Exome Variant Server 0.02116; gnomAD 0.02135 and 0.02283; 1000 Genomes Project 0.02196; 1000 Genomes Project 30x 0.02280; TOPMed 0.02407.
gnomAD v4.1: 8,898 of 1,614,134 alleles (0.55%); highest among the groups gnomAD compares: African/African-American, 6.7%; 220 homozygotes.

Submissions (8):

Labcorp Genetics (formerly Invitae), Labcorp
Classification: Benign for Fanconi anemia. Last evaluated: 2026-02-03. Review status: criteria provided, single submitter. Criteria: Invitae Variant Classification Sherloc (09022015). Collection method: clinical testing. Allele origin: germline.

ARUP Laboratories, Molecular Genetics and Genomics, ARUP Laboratories
Classification: Benign for Fanconi anemia complementation group P. Last evaluated: 2024-10-10. Review status: criteria provided, single submitter. Criteria: ARUP Molecular Germline Variant Investigation Process 2024. Collection method: clinical testing. Allele origin: germline.

KCCC/NGS Laboratory, Kuwait Cancer Control Center
Classification: Benign for Fanconi anemia complementation group P. Last evaluated: 2023-07-07. Review status: criteria provided, single submitter. Criteria: ACMG Guidelines, 2015. Collection method: clinical testing. Allele origin: germline. Affected: yes.

GeneDx
Classification: Benign. Last evaluated: 2019-04-16. Review status: criteria provided, single submitter. Criteria: GeneDx Variant Classification Process June 2021. Collection method: clinical testing. Allele origin: germline. Affected: yes.

Illumina Laboratory Services, Illumina
Classification: Benign for Fanconi anemia complementation group P. Last evaluated: 2018-01-12. Review status: criteria provided, single submitter. Criteria: ICSL Variant Classification Criteria 13 December 2019. Collection method: clinical testing. Allele origin: germline.
Comment: This variant was observed in the ICSL laboratory as part of a predisposition screen in an ostensibly healthy population. It had not been previously curated by ICSL or reported in the Human Gene Mutation Database (HGMD: prior to June 1st, 2018), and was therefore a candidate for classification through an automated scoring system. Utilizing variant allele frequency, disease prevalence and penetrance estimates, and inheritance mode, an automated score was calculated to assess if this variant is too frequent to cause the disease. Based on the score and internal cut-off values, a variant classified as benign is not then subjected to further curation. The score for this variant resulted in a classification of benign for this disease.

Breakthrough Genomics
Classification: Benign. Review status: criteria provided, single submitter. Criteria: ACMG Guidelines, 2015. Collection method: not provided. Allele origin: germline. Inheritance: Autosomal recessive inheritance. Affected: yes.

PreventionGenetics, part of Exact Sciences
Classification: Benign. Review status: criteria provided, single submitter. Criteria: ACMG Guidelines, 2015. Collection method: clinical testing. Allele origin: germline.

Leiden Open Variation Database
Classification: Likely benign. Last evaluated: 2012-08-31. Review status: no assertion criteria provided. Collection method: curation. Allele origin: germline. Affected: yes. Not counted in ClinVar's aggregate classification.
Comment: Curator: Arleen D. Auerbach. Submitter to LOVD: Janine Bakker.

Literature cited by the submitters: PubMed 22911665 (cited by Leiden Open Variation Database).

NM_032444.4(SLX4):c.4581G>A (p.Pro1527=)

Gene: SLX4 (SLX4 structure-specific endonuclease subunit; minus strand). Cytogenetic location: 16p13.3.
Variant type: single nucleotide variant.
Coding change: c.4581G>A on transcript NM_032444.4 (MANE Select); coding-DNA position 4581, G replaced by A.
Protein change: p.Pro1527=; no amino-acid change (proline 1527 retained).
Molecular consequence: synonymous variant.
Genome position (GRCh38, 1-based): chr16:3,589,057, C>T on the plus strand (G>A on the coding strand, the complement: SLX4 is on the minus strand). VCF-style: chr16-3589057-C-T. GRCh37 (hg19) VCF-style: chr16-3639058-C-T.
Other names: c.4581G>A (LRG_503t1, NM_032444.3).
Identifiers: ClinVar variation 262054 (VCV000262054.28), dbSNP rs78635099, ClinGen allele CA7865594.
Genomic context (GRCh38, chr16:3,589,057, plus strand): 5'-CTCACTGGGTGTCTCTAACCCTTCGGGCTTCTGAGCTCCACCAGCGCTTGGCATCTGGGC[C>T]GGAGGAGGGGTCTCTGGAGGCCTCTGCTCTTCCCCGTCCCAAACGTCCCACAGAGCCGAA-3'
Protein context (NP_115820.2, residues 1517-1537): EEQRPPETPP[Pro1527=]AQMPSAGGAQ